The following is an entry in ClinVar:

NM_001024630.4(RUNX2):c.*278G>A

Gene: RUNX2 (RUNX family transcription factor 2; plus strand). Cytogenetic location: 6p21.1.
Variant type: single nucleotide variant.
Coding change: c.*278G>A on transcript NM_001024630.4 (MANE Select); 278 bases downstream of the stop codon, G replaced by A.
Molecular consequence: 3 prime UTR variant.
Genome position (GRCh38, 1-based): chr6:45,547,583, G>A. VCF-style: chr6-45547583-G-A. GRCh37 (hg19) VCF-style: chr6-45515320-G-A.
Other names: c.*278G>A (NM_001015051.4, NM_001278478.2, NM_001369405.1).
Identifiers: ClinVar variation 908382 (VCV000908382.6), dbSNP rs142301498, ClinGen allele CA138460597.

ClinVar aggregate classification (germline): Benign/Likely benign. Review status: criteria provided, multiple submitters, no conflicts (2 of 4 stars). 2 submissions from 2 submitters: Benign (1); Likely benign (1). Last evaluated 2019-01-19.

Conditions:
Cleidocranial dysostosis (CLCD1). Also called: Marie-Sainton disease; cleidocranial dysplasia 1; Cleidocranial Dysplasia Spectrum Disorder. Identifiers: Orphanet 1452, MedGen C0008928, MONDO:0007340, OMIM 119600.

Allele frequency attached by ClinVar (database versions not stated): gnomAD exomes 0.00092; gnomAD 0.00809 and 0.00871; TOPMed 0.00879; 1000 Genomes Project 0.00919; 1000 Genomes Project 30x 0.00953.
gnomAD v4.1: 1,524 of 478,932 alleles (0.32%); highest among the groups gnomAD compares: African/African-American, 2.7%; 16 homozygotes.

Submissions (2):

GeneDx
Classification: Likely benign. Last evaluated: 2019-01-19. Review status: criteria provided, single submitter. Criteria: GeneDx Variant Classification Process June 2021. Collection method: clinical testing. Allele origin: germline. Affected: yes.

Illumina Laboratory Services, Illumina
Classification: Benign for Cleidocranial dysostosis. Last evaluated: 2018-01-12. Review status: criteria provided, single submitter. Criteria: ICSL Variant Classification Criteria 13 December 2019. Collection method: clinical testing. Allele origin: germline.
Comment: This variant was observed in the ICSL laboratory as part of a predisposition screen in an ostensibly healthy population. It had not been previously curated by ICSL or reported in the Human Gene Mutation Database (HGMD: prior to June 1st, 2018), and was therefore a candidate for classification through an automated scoring system. Utilizing variant allele frequency, disease prevalence and penetrance estimates, and inheritance mode, an automated score was calculated to assess if this variant is too frequent to cause the disease. Based on the score and internal cut-off values, a variant classified as benign is not then subjected to further curation. The score for this variant resulted in a classification of benign for this disease.